The following is an entry in ClinVar:

ClinVar aggregate classification (germline): Uncertain significance. Review status: criteria provided, multiple submitters, no conflicts (2 of 4 stars). 7 submissions from 7 submitters: Uncertain significance (5). 2 of the submissions do not count toward it. Last evaluated 2023-07-08.

Conditions:
Inborn genetic diseases. Identifiers: MedGen C0950123, MeSH D030342.
Intellectual developmental disorder, autosomal recessive 13. Also called: Intellectual disability, autosomal recessive 13. Identifiers: Orphanet 88616, MedGen C2750791, MONDO:0013173, OMIM 613192.
Intellectual disability. Also called: intellectual disabilities; Intellectual developmental disorder; Intellectual functioning disability. Identifiers: MedGen C3714756, MeSH D008607, MONDO:0001071, HP:0001249.

Allele frequency attached by ClinVar (database versions not stated): 1000 Genomes Project 30x 0.00016; 1000 Genomes Project 0.00020; ExAC 0.00044; gnomAD exomes 0.00046; TOPMed 0.00055; gnomAD 0.00056; ESP Exome Variant Server 0.00085.

Submissions (8):

GeneDx
Classification: Uncertain significance. Last evaluated: 2023-07-08. Review status: criteria provided, single submitter. Criteria: GeneDx Variant Classification Process June 2021. Collection method: clinical testing. Allele origin: germline.
Comment: In silico analysis supports that this missense variant has a deleterious effect on protein structure/function; Has not been previously published as pathogenic or benign to our knowledge

Labcorp Genetics (formerly Invitae), Labcorp
Classification: Uncertain significance. Last evaluated: 2022-10-13. Review status: criteria provided, single submitter. Criteria: Invitae Variant Classification Sherloc (09022015). Collection method: clinical testing. Allele origin: germline.
Comment: This sequence change replaces alanine, which is neutral and non-polar, with valine, which is neutral and non-polar, at codon 438 of the TRAPPC9 protein (p.Ala438Val). This variant is present in population databases (rs143778652, gnomAD 0.09%), including at least one homozygous and/or hemizygous individual. This variant has not been reported in the literature in individuals affected with TRAPPC9-related conditions. ClinVar contains an entry for this variant (Variation ID: 130612). Algorithms developed to predict the effect of missense changes on protein structure and function are either unavailable or do not agree on the potential impact of this missense change (SIFT: "Not Available"; PolyPhen-2: "Possibly Damaging"; Align-GVGD: "Not Available"). In summary, the available evidence is currently insufficient to determine the role of this variant in disease. Therefore, it has been classified as a Variant of Uncertain Significance.

Ambry Genetics
Classification: Uncertain significance for Inborn genetic diseases. Last evaluated: 2021-03-26. Review status: criteria provided, single submitter. Criteria: Ambry Variant Classification Scheme 2023. Collection method: clinical testing. Allele origin: germline.
Comment: The c.1313C>T (p.A438V) alteration is located in exon 7 (coding exon 7) of the TRAPPC9 gene. This alteration results from a C to T substitution at nucleotide position 1313, causing the alanine (A) at amino acid position 438 to be replaced by a valine (V). The p.A438V alteration is predicted to be deleterious by in silico analysis. Based on insufficient or conflicting evidence, the clinical significance of this alteration remains unclear.

New York Genome Center
Classification: Uncertain significance for Intellectual developmental disorder, autosomal recessive 13. Last evaluated: 2019-12-13. Review status: criteria provided, single submitter. Criteria: NYGC Assertion Criteria 2020. Collection method: clinical testing. Allele origin: germline. Observed: 1 heterozygote. Study: CSER-NYCKidSeq.

Fulgent Genetics
Classification: Uncertain significance for Intellectual developmental disorder, autosomal recessive 13. Last evaluated: 2018-10-31. Review status: criteria provided, single submitter. Criteria: ACMG Guidelines, 2015. Collection method: clinical testing. Allele origin: unknown.

Centre de Biologie Pathologie Génétique, Centre Hospitalier Universitaire de Lille
Classification: Uncertain significance for Intellectual disability. Last evaluated: 2019-01-01. Review status: no assertion criteria provided. Collection method: clinical testing. Allele origin: unknown. Affected: yes. Not counted in ClinVar's aggregate classification.

Genetic Services Laboratory, University of Chicago
Classification: Uncertain significance. Last evaluated: 2017-02-22. Review status: no assertion criteria provided. Collection method: clinical testing. Allele origin: germline. Affected: yes. Not counted in ClinVar's aggregate classification.

Dr. Peter K. Rogan Lab, Western University
No classification provided (evidence only). Condition: Acute myeloid leukemia. Review status: no classification provided. Collection method: in vitro. Allele origin: not applicable. Functional consequence: retained intron. Not counted in ClinVar's aggregate classification.

NM_001160372.4(TRAPPC9):c.1019C>T (p.Ala340Val)

Gene: TRAPPC9 (trafficking protein particle complex subunit 9; minus strand). Cytogenetic location: 8q24.3.
Variant type: single nucleotide variant.
Coding change: c.1019C>T on transcript NM_001160372.4 (MANE Select); coding-DNA position 1019, C replaced by T.
Protein change: p.Ala340Val; replaces alanine 340 with valine.
Molecular consequence: missense variant. On other transcripts: non-coding transcript variant (1).
Genome position (GRCh38, 1-based): chr8:140,397,735, G>A on the plus strand (C>T on the coding strand, the complement: TRAPPC9 is on the minus strand). VCF-style: chr8-140397735-G-A. GRCh37 (hg19) VCF-style: chr8-141407834-G-A.
Other names: c.992C>T, p.Ala331Val (NM_001321646.2); c.1040C>T, p.Ala347Val (NM_001374682.1); c.1019C>T, p.Ala340Val (NM_001374683.1, NM_001374684.1, NM_031466.8); short protein forms A438V, A340V, A331V, A347V.
Identifiers: ClinVar variation 130612 (VCV000130612.24), dbSNP rs143778652, ClinGen allele CA231557.
Genomic context (GRCh38, chr8:140,397,735, plus strand): 5'-CGTTTCTGAATTGCAAGGACACGTACAGCCTTGATGCACGCTTCCAACTCAATCACTCCC[G>A]CATTCTTATACTGCAGGGTGTAAAGGAAATGCCTCAGTCAAAAAAGAGTTCAGATGTTTC-3'
Protein context (NP_001153844.1, residues 330-350): AISYYSKYKN[Ala340Val]GVIELEACIK